The following is an entry in ClinVar:

ClinVar aggregate classification (germline): Likely benign (1 of 4 stars; one submission).

gnomAD v4.1: 1 of 1,547,780 alleles (0.000065%); highest among the groups gnomAD compares: Non-Finnish European, 0.000087%; no homozygotes.

Submission:

CeGaT Center for Human Genetics Tuebingen
Classification: Likely benign. Last evaluated: 2025-06-01. Review status: criteria provided, single submitter. Criteria: CeGaT Center For Human Genetics Tuebingen Variant Classification Criteria Version 2. Collection method: clinical testing. Allele origin: germline. Affected: yes. Observed: 1 variant allele.
Comment: PNPLA6: BP4, BP7

NM_001166114.2(PNPLA6):c.102G>A (p.Ala34=)

Gene: PNPLA6 (patatin like domain 6, lysophospholipase; plus strand). Cytogenetic location: 19p13.2.
Variant type: single nucleotide variant.
Coding change: c.102G>A on transcript NM_001166114.2 (MANE Select); coding-DNA position 102, G replaced by A.
Protein change: p.Ala34=; no amino-acid change (alanine 34 retained).
Molecular consequence: synonymous variant. On other transcripts: intron variant (3).
Genome position (GRCh38, 1-based): chr19:7,535,890, G>A. VCF-style: chr19-7535890-G-A. GRCh37 (hg19) VCF-style: chr19-7600776-G-A.
Other names: c.129G>A, p.Ala43= (NM_001166111.2); c.28-43G>A (NM_006702.5, NM_001166112.2, NM_001166113.1).
Identifiers: ClinVar variation 4085243 (VCV004085243.8).
Genomic context (GRCh38, chr19:7,535,890, plus strand): 5'-GGCGAAGGTGGCGGAGAGGGATGGGTTCCAGGACGTCCTGGCGCCCGGGGAAGGCTCGGC[G>A]GGACGGATTTGCGGTGCGCAGCCAGTGCCGTTCGTCCCTCAGGTGCTTGGCGTGATGATC-3'
Protein context (NP_001159586.1, residues 24-44): QDVLAPGEGS[Ala34=]GRICGAQPVP